The following is an entry in ClinVar:

ClinVar aggregate classification (germline): Uncertain significance. Review status: criteria provided, multiple submitters, no conflicts (2 of 4 stars). 2 submissions from 2 submitters: Uncertain significance (2). Last evaluated 2019-01-09.

Conditions:
Multiple congenital anomalies-hypotonia-seizures syndrome 2 (MCAHS2). Also called: GLYCOSYLPHOSPHATIDYLINOSITOL BIOSYNTHESIS DEFECT 4; EPILEPTIC ENCEPHALOPATHY, EARLY INFANTILE, 20. Identifiers: Orphanet 300496, MedGen C3275508, MONDO:0010466, OMIM 300868.

Submissions (2):

Institute of Human Genetics, University of Leipzig Medical Center
Classification: Uncertain significance for Multiple congenital anomalies-hypotonia-seizures syndrome 2. Last evaluated: 2019-01-09. Review status: criteria provided, single submitter. Criteria: ACMG Guidelines, 2015. Collection method: clinical testing. Allele origin: germline. Affected: yes. Observed: 1 variant allele.
Comment: This variant was identified as hemizygous

Labcorp Genetics (formerly Invitae), Labcorp
Classification: Uncertain significance for Multiple congenital anomalies-hypotonia-seizures syndrome 2. Last evaluated: 2018-05-01. Review status: criteria provided, single submitter. Criteria: Invitae Variant Classification Sherloc (09022015). Collection method: clinical testing. Allele origin: germline.
Comment: In summary, the available evidence is currently insufficient to determine the role of this variant in disease. Therefore, it has been classified as a Variant of Uncertain Significance. Algorithms developed to predict the effect of missense changes on protein structure and function do not agree on the potential impact of this missense change (SIFT: "Deleterious"; PolyPhen-2: "Probably Damaging"; Align-GVGD: "Class C0"). This variant has not been reported in the literature in individuals with PIGA-related disease. This variant is not present in population databases (ExAC no frequency). This sequence change replaces arginine with serine at codon 114 of the PIGA protein (p.Arg114Ser). The arginine residue is highly conserved and there is a moderate physicochemical difference between arginine and serine.

NM_002641.4(PIGA):c.342G>T (p.Arg114Ser)

Gene: PIGA (phosphatidylinositol glycan anchor biosynthesis class A; minus strand). Cytogenetic location: Xp22.2.
Variant type: single nucleotide variant.
Coding change: c.342G>T on transcript NM_002641.4 (MANE Select); coding-DNA position 342, G replaced by T.
Protein change: p.Arg114Ser; replaces arginine 114 with serine.
Molecular consequence: missense variant. On other transcripts: intron variant (1).
Genome position (GRCh38, 1-based): chrX:15,331,589, C>A on the plus strand (G>T on the coding strand, the complement: PIGA is on the minus strand). VCF-style: chrX-15331589-C-A. GRCh37 (hg19) VCF-style: chrX-15349711-C-A.
Other names: c.13+3912G>T (NM_020473.3); short protein forms R114S.
Identifiers: ClinVar variation 571728 (VCV000571728.10), dbSNP rs1569180012, ClinGen allele CA412340431.
Genomic context (GRCh38, chrX:15,331,589, plus strand): 5'-CATAGCAGAAAAAGAACTATGTGAATGGATTATCGTGACTCTCTCCCGAACAAATATGTA[C>A]CTGAGCAATGGCAGACTGTGAAAGAGGGTCGTGGCTGTAGACTGGTTGTACATGACTTTC-3'
Protein context (NP_002632.1, residues 104-124): TTLFHSLPLL[Arg114Ser]YIFVRERVTI